The following is an entry in ClinVar:

ClinVar aggregate classification (germline): Uncertain significance (1 of 4 stars; one submission).

Conditions:
Pyogenic arthritis-pyoderma gangrenosum-acne syndrome (PAPA). Also called: PAPA SYNDROME; FAMILIAL RECURRENT ARTHRITIS. Identifiers: Orphanet 69126, MedGen C1858361, MONDO:0011462, OMIM 604416.

Submission:

Labcorp Genetics (formerly Invitae), Labcorp
Classification: Uncertain significance for Pyogenic arthritis-pyoderma gangrenosum-acne syndrome. Last evaluated: 2022-05-11. Review status: criteria provided, single submitter. Criteria: Invitae Variant Classification Sherloc (09022015). Collection method: clinical testing. Allele origin: germline.
Comment: This sequence change replaces glutamine, which is neutral and polar, with lysine, which is basic and polar, at codon 237 of the PSTPIP1 protein (p.Gln237Lys). This variant is not present in population databases (gnomAD no frequency). This variant has not been reported in the literature in individuals affected with PSTPIP1-related conditions. Algorithms developed to predict the effect of missense changes on protein structure and function (SIFT, PolyPhen-2, Align-GVGD) all suggest that this variant is likely to be tolerated. In summary, the available evidence is currently insufficient to determine the role of this variant in disease. Therefore, it has been classified as a Variant of Uncertain Significance.

NM_003978.5(PSTPIP1):c.709C>A (p.Gln237Lys)

Gene: PSTPIP1 (proline-serine-threonine phosphatase interacting protein 1; plus strand). Cytogenetic location: 15q24.3.
Variant type: single nucleotide variant.
Coding change: c.709C>A on transcript NM_003978.5 (MANE Select); coding-DNA position 709, C replaced by A.
Protein change: p.Gln237Lys; replaces glutamine 237 with lysine.
Molecular consequence: missense variant. On other transcripts: non-coding transcript variant (1).
Genome position (GRCh38, 1-based): chr15:77,031,246, C>A. VCF-style: chr15-77031246-C-A. GRCh37 (hg19) VCF-style: chr15-77323587-C-A.
Other names: c.709C>A, p.Gln237Lys (NM_001321135.2, NM_001411086.1); c.682C>A, p.Gln228Lys (NM_001321136.2); c.904C>A, p.Gln302Lys (NM_001321137.1); short protein forms Q228K, Q302K, Q237K.
Identifiers: ClinVar variation 1993063 (VCV001993063.4), dbSNP rs2542849549, ClinGen allele CA393520946.